The following is an entry in ClinVar:

ClinVar aggregate classification (germline): Uncertain significance (1 of 4 stars; one submission).

Submission:

Ambry Genetics
Classification: Uncertain significance. Last evaluated: 2023-03-13. Review status: criteria provided, single submitter. Criteria: Ambry Variant Classification Scheme 2023. Collection method: clinical testing. Allele origin: germline.
Comment: The p.N1083Y variant (also known as c.3247A>T), located in coding exon 27 of the PRKDC gene, results from an A to T substitution at nucleotide position 3247. The asparagine at codon 1083 is replaced by tyrosine, an amino acid with dissimilar properties. This amino acid position is conserved. In addition, the in silico prediction for this alteration is inconclusive. Since supporting evidence is limited at this time, the clinical significance of this alteration remains unclear.

NM_006904.7(PRKDC):c.3247A>T (p.Asn1083Tyr)

Gene: PRKDC (protein kinase, DNA-activated, catalytic subunit; minus strand). Cytogenetic location: 8q11.21.
Variant type: single nucleotide variant.
Coding change: c.3247A>T on transcript NM_006904.7 (MANE Select); coding-DNA position 3247, A replaced by T.
Protein change: p.Asn1083Tyr; replaces asparagine 1083 with tyrosine.
Molecular consequence: missense variant.
Genome position (GRCh38, 1-based): chr8:47,902,591, T>A on the plus strand (A>T on the coding strand, the complement: PRKDC is on the minus strand). VCF-style: chr8-47902591-T-A. GRCh37 (hg19) VCF-style: chr8-48815151-T-A.
Other names: c.3247A>T, p.Asn1083Tyr (NM_001081640.2); short protein forms N1083Y.
Identifiers: ClinVar variation 2449909 (VCV002449909.2), dbSNP rs2551875537, ClinGen allele CA371156510.